The following is an entry in ClinVar:

ClinVar aggregate classification (germline): Uncertain significance (1 of 4 stars; one submission).

Allele frequency attached by ClinVar (database versions not stated): gnomAD 0.00001; ExAC 0.00002; gnomAD exomes 0.00001; TOPMed 0.00002.
gnomAD v4.1: 29 of 1,613,820 alleles (0.0018%); highest among the groups gnomAD compares: Middle Eastern, 0.016%; no homozygotes.

Submission:

Labcorp Genetics (formerly Invitae), Labcorp
Classification: Uncertain significance. Last evaluated: 2022-09-13. Review status: criteria provided, single submitter. Criteria: Invitae Variant Classification Sherloc (09022015). Collection method: clinical testing. Allele origin: germline.
Comment: This sequence change replaces arginine, which is basic and polar, with tryptophan, which is neutral and slightly polar, at codon 1433 of the TTC37 protein (p.Arg1433Trp). This variant is present in population databases (rs754768303, gnomAD 0.003%). This variant has not been reported in the literature in individuals affected with TTC37-related conditions. ClinVar contains an entry for this variant (Variation ID: 1524381). Algorithms developed to predict the effect of missense changes on protein structure and function are either unavailable or do not agree on the potential impact of this missense change (SIFT: "Deleterious"; PolyPhen-2: "Benign"; Align-GVGD: "Class C0"). In summary, the available evidence is currently insufficient to determine the role of this variant in disease. Therefore, it has been classified as a Variant of Uncertain Significance.

NM_014639.4(SKIC3):c.4297C>T (p.Arg1433Trp)

Gene: SKIC3 (SKI3 subunit of superkiller complex; minus strand). Cytogenetic location: 5q15.
Variant type: single nucleotide variant.
Coding change: c.4297C>T on transcript NM_014639.4 (MANE Select); coding-DNA position 4297, C replaced by T.
Protein change: p.Arg1433Trp; replaces arginine 1433 with tryptophan.
Molecular consequence: missense variant.
Genome position (GRCh38, 1-based): chr5:95,478,358, G>A on the plus strand (C>T on the coding strand, the complement: SKIC3 is on the minus strand). VCF-style: chr5-95478358-G-A. GRCh37 (hg19) VCF-style: chr5-94814062-G-A.
Other names: short protein forms R1433W.
Identifiers: ClinVar variation 1524381 (VCV001524381.3), dbSNP rs754768303, ClinGen allele CA3346436.